The following is an entry in ClinVar:

NM_001793.6(CDH3):c.1796-2A>G

Gene: CDH3 (cadherin 3; plus strand). Cytogenetic location: 16q22.1.
Variant type: single nucleotide variant.
Coding change: c.1796-2A>G on transcript NM_001793.6 (MANE Select); the canonical splice acceptor site of the intron before coding-DNA position 1796, A replaced by G.
Molecular consequence: splice acceptor variant.
Genome position (GRCh38, 1-based): chr16:68,691,718, A>G. VCF-style: chr16-68691718-A-G. GRCh37 (hg19) VCF-style: chr16-68725621-A-G.
Other names: c.1631-2A>G (NM_001317196.2); c.1796-2A>G (NM_001317195.3).
Identifiers: ClinVar variation 2137842 (VCV002137842.5), dbSNP rs757728994, ClinGen allele CA8129492.

ClinVar aggregate classification (germline): Pathogenic. Review status: criteria provided, multiple submitters, no conflicts (2 of 4 stars). 2 submissions from 2 submitters: Pathogenic (2). Last evaluated 2022-01-03.

Conditions:
CDH3-related disorder. Also called: CDH3-related condition.

Allele frequency attached by ClinVar (database versions not stated): gnomAD exomes 0.00001; ExAC 0.00002.
gnomAD v4.1: 14 of 1,612,216 alleles (0.00087%); highest among the groups gnomAD compares: South Asian, 0.014%; no homozygotes.

Submissions (2):

Labcorp Genetics (formerly Invitae), Labcorp
Classification: Pathogenic. Last evaluated: 2022-01-03. Review status: criteria provided, single submitter. Criteria: Invitae Variant Classification Sherloc (09022015). Collection method: clinical testing. Allele origin: germline.
Comment: For these reasons, this variant has been classified as Pathogenic. Studies have shown that disruption of this splice site results in skipping of exon 13, but is expected to preserve the integrity of the reading-frame (PMID: 27157923). This variant is also known as Ivs12-2A>G. Disruption of this splice site has been observed in individuals with clinical features of hypotrichosis with juvenile macular dystrophy (PMID: 20203473, 27157923; Invitae). This variant is present in population databases (rs757728994, gnomAD 0.02%). This sequence change affects an acceptor splice site in intron 12 of the CDH3 gene. RNA analysis indicates that disruption of this splice site induces altered splicing and likely results in a shortened protein product.

Blueprint Genetics
Classification: Pathogenic for CDH3-related disorders. Last evaluated: 2020-04-14. Review status: criteria provided, single submitter. Criteria: ACMG Guidelines, 2015. Collection method: clinical testing. Allele origin: germline. Affected: yes. Observed: 1 variant allele.

Literature cited by the submitters: PubMed 27157923 (cited by Labcorp Genetics (formerly Invitae), Labcorp); PubMed 20203473 (cited by Labcorp Genetics (formerly Invitae), Labcorp).